The following is an entry in ClinVar:

NM_001605.3(AARS1):c.1735A>T (p.Ile579Phe)

Gene: AARS1 (alanyl-tRNA synthetase 1; minus strand). Cytogenetic location: 16q22.1.
Variant type: single nucleotide variant.
Coding change: c.1735A>T on transcript NM_001605.3 (MANE Select); coding-DNA position 1735, A replaced by T.
Protein change: p.Ile579Phe; replaces isoleucine 579 with phenylalanine.
Molecular consequence: missense variant.
Genome position (GRCh38, 1-based): chr16:70,261,094, T>A on the plus strand (A>T on the coding strand, the complement: AARS1 is on the minus strand). VCF-style: chr16-70261094-T-A. GRCh37 (hg19) VCF-style: chr16-70294997-T-A.
Other names: short protein forms I579F.
Identifiers: ClinVar variation 944103 (VCV000944103.9), dbSNP rs1960121476, ClinGen allele CA396559368.

ClinVar aggregate classification (germline): Uncertain significance (1 of 4 stars; one submission).

Conditions:
Charcot-Marie-Tooth disease type 2. Also called: Charcot-Marie-Tooth type 2. Identifiers: Orphanet 64746, MedGen C0270914, MONDO:0018993.

Submission:

Labcorp Genetics (formerly Invitae), Labcorp
Classification: Uncertain significance for Charcot-Marie-Tooth disease type 2. Last evaluated: 2019-05-04. Review status: criteria provided, single submitter. Criteria: Invitae Variant Classification Sherloc (09022015). Collection method: clinical testing. Allele origin: germline.
Comment: In summary, the available evidence is currently insufficient to determine the role of this variant in disease. Therefore, it has been classified as a Variant of Uncertain Significance. Algorithms developed to predict the effect of missense changes on protein structure and function (SIFT, PolyPhen-2, Align-GVGD) all suggest that this variant is likely to be tolerated, but these predictions have not been confirmed by published functional studies and their clinical significance is uncertain. This variant has not been reported in the literature in individuals with AARS-related conditions. This variant is not present in population databases (ExAC no frequency). This sequence change replaces isoleucine with phenylalanine at codon 579 of the AARS protein (p.Ile579Phe). The isoleucine residue is weakly conserved and there is a small physicochemical difference between isoleucine and phenylalanine.